The following is an entry in ClinVar:

ClinVar aggregate classification (germline): Conflicting classifications of pathogenicity. Review status: criteria provided, conflicting classifications (1 of 4 stars). 2 submissions from 2 submitters: Uncertain significance (1); Likely benign (1). Last evaluated 2024-10-22.

Conditions:
Inborn genetic diseases. Identifiers: MedGen C0950123, MeSH D030342.

Allele frequency attached by ClinVar (database versions not stated): gnomAD exomes 0.00001; ExAC 0.00002; TOPMed 0.00002.
gnomAD v4.1: 14 of 1,613,322 alleles (0.00087%); highest among the groups gnomAD compares: Non-Finnish European, 0.0012%; no homozygotes.

Submissions (2):

Labcorp Genetics (formerly Invitae), Labcorp
Classification: Uncertain significance. Last evaluated: 2024-10-22. Review status: criteria provided, single submitter. Criteria: Invitae Variant Classification Sherloc (09022015). Collection method: clinical testing. Allele origin: germline.
Comment: This sequence change replaces lysine, which is basic and polar, with arginine, which is basic and polar, at codon 1616 of the LAMA1 protein (p.Lys1616Arg). This variant is present in population databases (rs773357590, gnomAD 0.003%). This variant has not been reported in the literature in individuals affected with LAMA1-related conditions. ClinVar contains an entry for this variant (Variation ID: 1414191). Invitae Evidence Modeling of protein sequence and biophysical properties (such as structural, functional, and spatial information, amino acid conservation, physicochemical variation, residue mobility, and thermodynamic stability) indicates that this missense variant is not expected to disrupt LAMA1 protein function with a negative predictive value of 80%. In summary, the available evidence is currently insufficient to determine the role of this variant in disease. Therefore, it has been classified as a Variant of Uncertain Significance.

Ambry Genetics
Classification: Likely benign for Inborn genetic diseases. Last evaluated: 2023-04-13. Review status: criteria provided, single submitter. Criteria: Ambry Variant Classification Scheme 2023. Collection method: clinical testing. Allele origin: germline.

NM_005559.4(LAMA1):c.4847A>G (p.Lys1616Arg)

Gene: LAMA1 (laminin subunit alpha 1; minus strand). Cytogenetic location: 18p11.31.
Variant type: single nucleotide variant.
Coding change: c.4847A>G on transcript NM_005559.4 (MANE Select); coding-DNA position 4847, A replaced by G.
Protein change: p.Lys1616Arg; replaces lysine 1616 with arginine.
Molecular consequence: missense variant.
Genome position (GRCh38, 1-based): chr18:6,995,406, T>C on the plus strand (A>G on the coding strand, the complement: LAMA1 is on the minus strand). VCF-style: chr18-6995406-T-C. GRCh37 (hg19) VCF-style: chr18-6995405-T-C.
Other names: c.4847A>G (NM_005559.3); short protein forms K1616R.
Identifiers: ClinVar variation 1414191 (VCV001414191.7), dbSNP rs773357590, ClinGen allele CA8881777.
Genomic context (GRCh38, chr18:6,995,406, plus strand): 5'-AAAGAATTTACCTTCTTTTGCAGGTTGTCCGTTTCTTCTGCAACACCTTCAAGCTTAATT[T>C]TTCCCAGGTCCTTTTGCATATTTTCTTTTAATAAAGATTCCTAGGAAGAATGGAGGAAAC-3'
Protein context (NP_005550.2, residues 1606-1626): LKENMQKDLG[Lys1616Arg]IKLEGVAEET